The following is an entry in ClinVar:

ClinVar aggregate classification (germline): Uncertain significance (1 of 4 stars; one submission).

Conditions:
Baller-Gerold syndrome (BGS). Also called: CRANIOSYNOSTOSIS WITH RADIAL DEFECTS. Identifiers: Orphanet 1225, MedGen C0265308, MONDO:0009039, OMIM 218600.

Submission:

Labcorp Genetics (formerly Invitae), Labcorp
Classification: Uncertain significance for Baller-Gerold syndrome. Last evaluated: 2024-12-17. Review status: criteria provided, single submitter. Criteria: Invitae Variant Classification Sherloc (09022015). Collection method: clinical testing. Allele origin: germline.
Comment: This variant, c.1635_1637del, results in the deletion of 1 amino acid(s) of the RECQL4 protein (p.Pro546del), but otherwise preserves the integrity of the reading frame. This variant is not present in population databases (gnomAD no frequency). This variant has not been reported in the literature in individuals affected with RECQL4-related conditions. ClinVar contains an entry for this variant (Variation ID: 1020083). Experimental studies and prediction algorithms are not available or were not evaluated, and the functional significance of this variant is currently unknown. In summary, the available evidence is currently insufficient to determine the role of this variant in disease. Therefore, it has been classified as a Variant of Uncertain Significance.

NM_004260.4(RECQL4):c.1635_1637del (p.Pro546del)

Gene: RECQL4 (RecQ like helicase 4; minus strand). Cytogenetic location: 8q24.3.
Variant type: Deletion.
Coding change: c.1635_1637del on transcript NM_004260.4 (MANE Select); coding-DNA positions 1635 to 1637, 3 bases deleted (ACC; older notation c.1635_1637delACC).
Protein change: p.Pro546del; deletes proline 546.
Molecular consequence: inframe deletion.
Genome position (GRCh38, 1-based): chr8:144,514,509-144,514,511, GGT deleted on the plus strand (ACC on the coding strand, the reverse complement: RECQL4 is on the minus strand); deleting any 3 consecutive bases within chr8:144,514,509-144,514,513 gives the same sequence; the c. name uses the placement nearest the transcript's 3' end. VCF-style (leftmost placement, unchanged base first): chr8-144514508-CGGT-C. GRCh37 (hg19) VCF-style: chr8-145739892-CGGT-C.
Other names: short protein forms P546del.
Identifiers: ClinVar variation 1020083 (VCV001020083.5), dbSNP rs1827863465, ClinGen allele CA1120280805.